The following is an entry in ClinVar:

ClinVar aggregate classification (germline): Uncertain significance (1 of 4 stars; one submission).

Conditions:
Familial acute necrotizing encephalopathy (IIAE3). Also called: ENCEPHALOPATHY, ACUTE, INFECTION-INDUCED, SUSCEPTIBILITY TO, 3; Susceptibility to Acute Necrotizing Encephalopathy 1. Identifiers: Orphanet 88619, MedGen C2675556, MONDO:0011953, OMIM 608033.

Allele frequency attached by ClinVar (database versions not stated): gnomAD exomes below 0.00001; TOPMed 0.00001.
gnomAD v4.1: 3 of 1,609,290 alleles (0.00019%); highest among the groups gnomAD compares: Non-Finnish European, 0.00025%; no homozygotes.

Submission:

Labcorp Genetics (formerly Invitae), Labcorp
Classification: Uncertain significance for Familial acute necrotizing encephalopathy. Last evaluated: 2019-02-04. Review status: criteria provided, single submitter. Criteria: Invitae Variant Classification Sherloc (09022015). Collection method: clinical testing. Allele origin: germline.
Comment: In summary, the available evidence is currently insufficient to determine the role of this variant in disease. Therefore, it has been classified as a Variant of Uncertain Significance. Algorithms developed to predict the effect of sequence changes on RNA splicing suggest that this variant may create or strengthen a splice site, but this prediction has not been confirmed by published transcriptional studies. Algorithms developed to predict the effect of missense changes on protein structure and function (SIFT, PolyPhen-2, Align-GVGD) all suggest that this variant is likely to be disruptive, but these predictions have not been confirmed by published functional studies and their clinical significance is uncertain. This variant has not been reported in the literature in individuals with RANBP2-related conditions. This variant is not present in population databases (ExAC no frequency). This sequence change replaces leucine with valine at codon 2147 of the RANBP2 protein (p.Leu2147Val). The leucine residue is highly conserved and there is a small physicochemical difference between leucine and valine.

NM_006267.5(RANBP2):c.6439T>G (p.Leu2147Val)

Gene: RANBP2 (RAN binding protein 2; plus strand). Cytogenetic location: 2q13.
Variant type: single nucleotide variant.
Coding change: c.6439T>G on transcript NM_006267.5 (MANE Select); coding-DNA position 6439, T replaced by G.
Protein change: p.Leu2147Val; replaces leucine 2147 with valine.
Molecular consequence: missense variant.
Genome position (GRCh38, 1-based): chr2:108,766,978, T>G. VCF-style: chr2-108766978-T-G. GRCh37 (hg19) VCF-style: chr2-109383434-T-G.
Other names: short protein forms L2147V.
Identifiers: ClinVar variation 862364 (VCV000862364.10), dbSNP rs1279946059, ClinGen allele CA348075480.